The following is an entry in ClinVar:

NM_206933.4(USH2A):c.4338_4339del (p.Cys1447fs)

Gene: USH2A (usherin; minus strand). Cytogenetic location: 1q41.
Variant type: Microsatellite.
Coding change: c.4338_4339del on transcript NM_206933.4 (MANE Select); coding-DNA positions 4338 to 4339, 2 bases deleted (CT; older notation c.4338_4339delCT).
Protein change: p.Cys1447fs; shifts the reading frame from cysteine 1447.
Molecular consequence: frameshift variant.
Genome position (GRCh38, 1-based): chr1:216,190,280-216,190,281, AG deleted on the plus strand (CT on the coding strand, the reverse complement: USH2A is on the minus strand); deleting any 2 consecutive bases within chr1:216,190,280-216,190,285 gives the same sequence; the c. name uses the placement nearest the transcript's 3' end. VCF-style (leftmost placement, unchanged base first): chr1-216190279-CAG-C. GRCh37 (hg19) VCF-style: chr1-216363621-CAG-C.
Other names: NM_007123.5(USH2A):c.4338_4339delCT(p.Cys1447Glnfs); NM_007123.5(USH2A):c.4338_4339delCT; p.Cys1447fs; c.4338_4339del (NM_206933.2); c.4338_4339delCT (NM_007123.5, NM_206933.3); c.4338_4339del, p.Cys1447fs (NM_007123.6); short protein forms C1447fs.
Identifiers: ClinVar variation 2353 (VCV000002353.37), dbSNP rs111033367, ClinGen allele CA252228.

ClinVar aggregate classification (germline): Pathogenic. Review status: reviewed by expert panel (3 of 4 stars). 13 submissions from 13 submitters: Pathogenic (1). 12 of the submissions do not count toward it. Last evaluated 2018-09-25.

Conditions:
Usher syndrome. Also called: Usher's syndrome; Usher Syndromes. Identifiers: Orphanet 886, MedGen CN469326, MeSH D052245, MONDO:0019501. Disease mechanism: loss of function.
USH2A-related disorder. Also called: USH2A-related condition; USH2A-related disorders. Identifiers: MedGen CN239332.
Retinitis pigmentosa 39 (RP39). Identifiers: Orphanet 791, MedGen C3151138, MONDO:0013436, OMIM 613809.
Usher syndrome type 2A. Also called: RETINAL DISEASE IN USHER SYNDROME TYPE IIA, MODIFIER OF; USHER SYNDROME, TYPE IIA. Identifiers: Orphanet 231178, Orphanet 886, MedGen C1848634, MONDO:0010169, OMIM 276901.

Submissions (13):

ClinGen Hearing Loss Variant Curation Expert Panel
Classification: Pathogenic for Usher syndrome. Last evaluated: 2018-09-25. Review status: reviewed by expert panel. Criteria: ClinGen HL ACMG Specifications v1. Collection method: curation. Allele origin: germline. Inheritance: Autosomal recessive inheritance.
Comment: The allele frequency of the p.Cys1447GlnfsX29 variant in the USH2A gene is 0.0009% (1/111250) of European (Non-Finnish) chromosomes by the Genome Aggregation Database, which is a low enough frequency to award PM2 based on the thresholds defined by the ClinGen Hearing Loss Expert Panel for autosomal recessive hearing loss (PM2). The p.Cys1447GlnfsX29 variant is predicted to cause a premature stop codon in biologically-relevant-exon 20 of 72 that leads to an absent protein in a gene in which loss-of-function is an established mechanism (PVS1). This variant has been detected as compound heterozygous with p.Cys759Phe or p.Glu767SerfsX21 in six Usher syndrome probands, and as homozygous in eight Usher syndrome probands (PM3_VeryStrong; PMID: 9624053, 15325563, 18641288, 18665195, 20440071). The p.Cys1447GlnfsX29 variant in USH2A has been reported to segregate with hearing loss in at least 2 family members (PP1_Moderate; PMID: 20440071, 9624053). At least one patient with a variant in this gene displayed features of mild to severe hearing loss and retinitis pigmentosa (PP4; PMID: 9624053, 15325563, 18641288, 18665195, 20440071). In summary, this variant meets criteria to be classified as pathogenic for autosomal recessive Usher syndrome based on the ACMG/AMP criteria applied, as specified by the Hearing Loss Expert Panel: PM2, PVS1, PM3_VeryStrong, PP1_Moderate, PP4.

PreventionGenetics, part of Exact Sciences
Classification: Pathogenic for USH2A-related condition. Last evaluated: 2026-06-04. Review status: criteria provided, single submitter. Criteria: ACMG Guidelines, 2015. Collection method: clinical testing. Allele origin: germline. Not counted in ClinVar's aggregate classification.
Comment: The USH2A c.4338_4339delCT variant is predicted to result in a frameshift and premature protein termination (p.Cys1447Glnfs*29). This variant has been reported in the literature in individuals with USH2A-related disease, including an individual with hearing loss (Roman et al. 2020. PubMed ID: 32853555) and two patients with Usher Syndrome (supplementary data, Hufnagel et al. 2022. PubMed ID: 35266249). This variant is reported in 0.00088% of alleles in individuals of European (Non-Finnish) descent in gnomAD. Frameshift variants in USH2A are expected to be pathogenic. This variant is interpreted as pathogenic.

Labcorp Genetics (formerly Invitae), Labcorp
Classification: Pathogenic. Last evaluated: 2025-09-02. Review status: criteria provided, single submitter. Criteria: Invitae Variant Classification Sherloc (09022015). Collection method: clinical testing. Allele origin: germline. Not counted in ClinVar's aggregate classification.
Comment: This sequence change creates a premature translational stop signal (p.Cys1447Glnfs*29) in the USH2A gene. It is expected to result in an absent or disrupted protein product. Loss-of-function variants in USH2A are known to be pathogenic (PMID: 10729113, 10909849, 20507924, 25649381). This variant is present in population databases (rs111033367, gnomAD 0.0009%). This premature translational stop signal has been observed in individual(s) with Usher syndrome (PMID: 9624053, 20440071). ClinVar contains an entry for this variant (Variation ID: 2353). For these reasons, this variant has been classified as Pathogenic.

Natera, Inc.
Classification: Pathogenic for Usher syndrome type 2A. Last evaluated: 2024-12-10. Review status: criteria provided, single submitter. Criteria: Natera Variant Classification Schema (03/2026). Collection method: clinical testing. Allele origin: germline. Not counted in ClinVar's aggregate classification.
Comment: The c.4338_4339del variant in USH2A is a frameshift variant predicted to shift the reading frame beginning at codon 1447 and leads to a stop codon 29 codons downstream. This variant is expected to result in nonsense mediated decay, truncation, or a dysfunctional protein product. This variant is rare in the general population with a frequency below the threshold expected for the associated phenotype(s). This variant has been observed in one or more individuals affected with the associated recessive disease, as either homozygous or compound heterozygous with a second variant (PMID: 10775529, 25425308, 15325563). Given the available evidence, this variant is classified as Pathogenic.

Blueprint Genetics
Classification: Pathogenic for USH2A-related disorders. Last evaluated: 2024-11-21. Review status: criteria provided, single submitter. Criteria: ACMG Guidelines, 2015. Collection method: clinical testing. Allele origin: germline. Affected: yes. Observed: 5 variant alleles. Not counted in ClinVar's aggregate classification.

Baylor Genetics
Classification: Pathogenic for Retinitis pigmentosa 39. Last evaluated: 2024-02-05. Review status: criteria provided, single submitter. Criteria: ACMG Guidelines, 2015. Collection method: clinical testing. Allele origin: unknown. Not counted in ClinVar's aggregate classification.

GeneDx
Classification: Pathogenic. Last evaluated: 2022-05-27. Review status: criteria provided, single submitter. Criteria: GeneDx Variant Classification Process June 2021. Collection method: clinical testing. Allele origin: germline. Affected: yes. Not counted in ClinVar's aggregate classification.
Comment: Frameshift variant predicted to result in protein truncation or nonsense mediated decay in a gene for which loss-of-function is a known mechanism of disease; Not observed at significant frequency in large population cohorts (gnomAD); This variant is associated with the following publications: (PMID: 10729113, 15325563, 24944099, 18665195, 30311386, 9624053, 20440071, 25425308, 21234346, 20613545, 18641288, 31047384, 32853555, 34313030, 34039936)

Fulgent Genetics
Classification: Pathogenic for Usher syndrome type 2A; Retinitis pigmentosa 39. Last evaluated: 2022-04-18. Review status: criteria provided, single submitter. Criteria: ACMG Guidelines, 2015. Collection method: clinical testing. Allele origin: unknown. Not counted in ClinVar's aggregate classification.

Ocular Genomics Institute, Massachusetts Eye and Ear
Classification: Pathogenic for Retinitis pigmentosa 39. Last evaluated: 2021-04-08. Review status: criteria provided, single submitter. Criteria: ACMG Guidelines, 2015. Collection method: research. Allele origin: germline. Affected: yes. Not counted in ClinVar's aggregate classification.
Comment: Through a review of available evidence we were able to apply the following criteria: PVS1, PM2, PM3, PP1-S, PP4. Based on this evidence we have classified this variant as Pathogenic.

Illumina Laboratory Services, Illumina
Classification: Pathogenic for USH2A-Related Disorders. Last evaluated: 2017-04-28. Review status: criteria provided, single submitter. Criteria: ICSL Variant Classification Criteria 09 May 2019. Collection method: clinical testing. Allele origin: germline. Not counted in ClinVar's aggregate classification.
Comment: The USH2A c.4338_4339delCT (p.Cys1447GlnfsTer29) variant results in a frameshift and is predicted to result in premature termination of the protein. The p.Cys1447GlnfsTer29 variant has been reported in six studies in which it is found in a total of 22 individuals with USH2A-related disorders, including in seven in a homozygous state, in two in a compound heterozygous state, and in 13 in a heterozygous state where a second variant was not found (Eudy et al. 1998; Weston et al. 2000; Seyedahmadi et al. 2004; Ebermann et al. 2009; Ebermann et al. 2010; Kimberling et al. 2010). The p.Cys1447GlnfsTer29 variant was absent from 493 controls but is reported at a frequency of 0.000008 in the European (non-Finnish) population of the Genome Aggregation Database. This is based on one allele only in a region of good sequence coverage so the variant is presumed rare. Based on the potential impact of frameshift variants and supporting evidence, the p.Cys1447GlnfsTer29 variant is classified as pathogenic for USH2A-related disorders. This variant was observed by ICSL as part of a predisposition screen in an ostensibly healthy population.

UNC Molecular Genetics  Laboratory, University of North Carolina at Chapel Hill
Classification: Likely pathogenic for USH2A-Related Disorders. Review status: criteria provided, single submitter. Criteria: ACMG Guidelines, 2015. Collection method: research. Allele origin: inherited. Affected: yes. Observed: 1 variant allele. Study: NSIGHT-NC NEXUS. Not counted in ClinVar's aggregate classification.
Comment: The USH2A c.4338_4339delCT (p.C1447Qfs) frameshift variant has been previously reported in multiple individuals with Usher syndrome, type IIA or nonsyndromic retinitis pigmentosa (PMID: 18641288; 15325563).

Counsyl
Classification: Pathogenic for Retinitis pigmentosa 39. Last evaluated: 2017-01-11. Review status: no assertion criteria provided. Collection method: clinical testing. Allele origin: unknown. Not counted in ClinVar's aggregate classification.

OMIM
Classification: Pathogenic for USHER SYNDROME, TYPE IIA. Last evaluated: 2010-06-01. Review status: no assertion criteria provided. Collection method: literature only. Allele origin: germline. Not counted in ClinVar's aggregate classification.

Literature cited by the submitters: PubMed 18665195 (cited by 5 submitters); PubMed 15325563 (cited by 5 submitters); PubMed 9624053 (cited by 5 submitters); PubMed 18641288 (cited by 3 submitters); PubMed 20440071 (cited by 5 submitters); PubMed 10729113 (cited by 3 submitters); PubMed 10909849 (cited by Labcorp Genetics (formerly Invitae), Labcorp); PubMed 20507924 (cited by Labcorp Genetics (formerly Invitae), Labcorp); PubMed 25649381 (cited by Labcorp Genetics (formerly Invitae), Labcorp); PubMed 10775529 (cited by Natera, Inc.); PubMed 25425308 (cited by Natera, Inc.); PubMed 20613545 (cited by Illumina Laboratory Services, Illumina); PubMed 20301515 (cited by UNC Molecular Genetics  Laboratory, University of North Carolina at Chapel Hill).